The following is an entry in ClinVar:

NC_000016.9:g.(?_163493)_(163851_?)del

Genes: HBA2 (hemoglobin subunit alpha 2; plus strand), NPRL3 (NPR3 like, GATOR1 complex subunit; minus strand). Cytogenetic location: 16p13.3.
Variant type: Deletion.
Identifiers: ClinVar variation 1072684 (VCV001072684.7).

ClinVar aggregate classification (germline): Pathogenic (1 of 4 stars; one submission).

Submission:

Labcorp Genetics (formerly Invitae), Labcorp
Classification: Pathogenic. Last evaluated: 2023-11-05. Review status: criteria provided, single submitter. Criteria: Invitae Variant Classification Sherloc (09022015). Collection method: clinical testing. Allele origin: germline.
Comment: This variant is a gross deletion of the genomic region encompassing a regulatory region (HS40) located approximately 40kb upstream of the alpha globin gene cluster. It does not change the encoded amino acid sequence of the HBA1 or HBA2 proteins, but has been reported to affect alpha globin gene expression. This variant has been observed in individuals with alpha-thalassemia and HbH disease (PMID: 20110179, 20580289, 20864588, 26915575). It has also been observed to segregate with disease in related individuals. Experimental studies have shown that deletion of this regulatory region (known as HS40, MCS-2, MCS-R, and MSC-R2) results in severely reduced, although not absent, alpha-globin gene expression (PMID: 7620173, 2253879, 8248238, 19696202). For these reasons, this variant has been classified as Pathogenic.

Literature cited by the submitters: PubMed 20110179; PubMed 20580289; PubMed 20864588; PubMed 26915575; PubMed 7620173; PubMed 2253879; PubMed 8248238; PubMed 19696202.